The following is an entry in ClinVar:

NM_006950.3(SYN1):c.912C>T (p.Ala304=)

Gene: SYN1 (synapsin I; minus strand). Cytogenetic location: Xp11.3.
Variant type: single nucleotide variant.
Coding change: c.912C>T on transcript NM_006950.3 (MANE Select); coding-DNA position 912, C replaced by T.
Protein change: p.Ala304=; no amino-acid change (alanine 304 retained).
Molecular consequence: synonymous variant.
Genome position (GRCh38, 1-based): chrX:47,576,566, G>A on the plus strand (C>T on the coding strand, the complement: SYN1 is on the minus strand). VCF-style: chrX-47576566-G-A. GRCh37 (hg19) VCF-style: chrX-47435965-G-A.
Other names: p.A304A:GCC>GCT; c.912C>T, p.Ala304= (NM_133499.2).
Identifiers: ClinVar variation 130386 (VCV000130386.20), dbSNP rs62636605, ClinGen allele CA155310.
Genomic context (GRCh38, chrX:47,576,566, plus strand): 5'-CTTGTAGTTCTGCCCAATCTTCTGGACACGCACGTCATATTTGGCATCGATGAAGGGCTC[G>A]GCAGTGGCATACGTCTTGGTCAGTGCCACGACACTTGCGATGTCCTGGAAGTCATGCTGG-3'
Protein context (NP_008881.2, residues 294-314): VVALTKTYAT[Ala304=]EPFIDAKYDV

ClinVar aggregate classification (germline): Benign. Review status: criteria provided, multiple submitters, no conflicts (2 of 4 stars). 6 submissions from 6 submitters: Benign (5). 1 of the submissions does not count toward it. Last evaluated 2026-02-03.

Conditions:
History of neurodevelopmental disorder. Identifiers: MedGen C2711754.
Epilepsy, X-linked 1, with variable learning disabilities and behavior disorders. Also called: X-linked epilepsy-learning disabilities-behavior disorders syndrome. Identifiers: Orphanet 85294, MedGen C5774177, MONDO:0010339, OMIM 300491.

Allele frequency attached by ClinVar (database versions not stated): gnomAD exomes 0.00136 and 0.00386; ExAC 0.00489; gnomAD 0.01342 and 0.01433; 1000 Genomes Project 0.01563; TOPMed 0.01598; 1000 Genomes Project 30x 0.01623; ESP Exome Variant Server 0.01780.
gnomAD v4.1: 3,146 of 1,210,006 alleles (0.26%); highest among the groups gnomAD compares: African/African-American, 4.6%; 60 homozygotes.

Submissions (6):

Labcorp Genetics (formerly Invitae), Labcorp
Classification: Benign for Epilepsy, X-linked 1, with variable learning disabilities and behavior disorders. Last evaluated: 2026-02-03. Review status: criteria provided, single submitter. Criteria: Invitae Variant Classification Sherloc (09022015). Collection method: clinical testing. Allele origin: germline.

Athena Diagnostics
Classification: Benign. Last evaluated: 2017-09-30. Review status: criteria provided, single submitter. Criteria: Athena Diagnostics Criteria. Collection method: clinical testing. Allele origin: germline.

Ambry Genetics
Classification: Benign for History of neurodevelopmental disorder. Last evaluated: 2016-04-13. Review status: criteria provided, single submitter. Criteria: Ambry Autosomal Dominant and X-Linked criteria (10/2015). Collection method: clinical testing. Allele origin: germline. Observed: 1 variant allele.

GeneDx
Classification: Benign. Last evaluated: 2013-08-06. Review status: criteria provided, single submitter. Criteria: GeneDx Variant Classification (06012015). Collection method: clinical testing. Allele origin: germline. Affected: yes.
Comment: This variant is considered likely benign or benign based on one or more of the following criteria: it is a conservative change, it occurs at a poorly conserved position in the protein, it is predicted to be benign by multiple in silico algorithms, and/or has population frequency not consistent with disease.

Breakthrough Genomics
Classification: Benign. Review status: criteria provided, single submitter. Criteria: ACMG Guidelines, 2015. Collection method: not provided. Allele origin: germline. Inheritance: X-linked inheritance. Affected: yes.

Genetic Services Laboratory, University of Chicago
Classification: Likely benign for AllHighlyPenetrant. Review status: no assertion criteria provided. Collection method: clinical testing. Allele origin: germline. Inheritance: X-linked inheritance. Not counted in ClinVar's aggregate classification.
Comment: Likely benign based on allele frequency in 1000 Genomes Project or ESP global frequency and its presence in a patient with a rare or unrelated disease phenotype. NOT Sanger confirmed.